The following is an entry in ClinVar:

NM_004370.6(COL12A1):c.4738del (p.Ser1580fs)

Gene: COL12A1 (collagen type XII alpha 1 chain; minus strand). Cytogenetic location: 6q13.
Variant type: Deletion.
Coding change: c.4738del on transcript NM_004370.6 (MANE Select); coding-DNA position 4738, one base deleted (A; older notation c.4738delA).
Protein change: p.Ser1580fs; shifts the reading frame from serine 1580.
Molecular consequence: frameshift variant.
Genome position (GRCh38, 1-based): chr6:75,143,341, T deleted on the plus strand (A on the coding strand, the reverse complement: COL12A1 is on the minus strand). VCF-style (leftmost placement, unchanged base first): chr6-75143340-CT-C. GRCh37 (hg19) VCF-style: chr6-75853056-CT-C.
Other names: c.1246del, p.Ser416fs (NM_080645.3); c.4738delA (NM_004370.5); short protein forms S416fs, S1580fs.
Identifiers: ClinVar variation 657345 (VCV000657345.9), dbSNP rs1471550984, ClinGen allele CA828084514.

ClinVar aggregate classification (germline): Pathogenic/Likely pathogenic. Review status: criteria provided, multiple submitters, no conflicts (2 of 4 stars). 3 submissions from 3 submitters: Pathogenic (1); Likely pathogenic (2). Last evaluated 2026-02-10.

Conditions:
Ullrich congenital muscular dystrophy 2 (UCMD2). Identifiers: Orphanet 75840, MedGen C4225314, MONDO:0014654, OMIM 616470.
Bethlem myopathy 2 (BTHLM2). Identifiers: Orphanet 536516, Orphanet 610, MedGen C4225313, MONDO:0034022, OMIM 616471.
COL12A1-related disorder. Also called: COL12A1-related condition.

Allele frequency attached by ClinVar (database versions not stated): gnomAD exomes below 0.00001; TOPMed 0.00001; gnomAD 0.00002.

Submissions (3):

PreventionGenetics, part of Exact Sciences
Classification: Likely pathogenic for COL12A1-related condition. Last evaluated: 2026-02-10. Review status: criteria provided, single submitter. Criteria: ACMG Guidelines, 2015. Collection method: clinical testing. Allele origin: germline.
Comment: The COL12A1 c.4738delA variant is predicted to result in a frameshift and premature protein termination (p.Ser1580Alafs*3). To our knowledge, this variant has not been reported in the literature or in a large population database (gnomAD), indicating it is rare. Frameshift variants in COL12A1 are expected to be pathogenic. This variant is interpreted as likely pathogenic for autosomal recessive COL12A1-related disorders and uncertain for autosomal dominant COL12A1-related disorders.

Labcorp Genetics (formerly Invitae), Labcorp
Classification: Pathogenic for Bethlem myopathy 2; Ullrich congenital muscular dystrophy 2. Last evaluated: 2026-01-27. Review status: criteria provided, single submitter. Criteria: Invitae Variant Classification Sherloc (09022015). Collection method: clinical testing. Allele origin: germline.
Comment: This sequence change creates a premature translational stop signal (p.Ser1580Alafs*3) in the COL12A1 gene. It is expected to result in an absent or disrupted protein product. Loss-of-function variants in COL12A1 are known to be pathogenic (PMID: 24334604, 28973083). This variant is not present in population databases (gnomAD no frequency). This variant has not been reported in the literature in individuals affected with COL12A1-related conditions. ClinVar contains an entry for this variant (Variation ID: 657345). For these reasons, this variant has been classified as Pathogenic.

GeneDx
Classification: Likely pathogenic. Last evaluated: 2024-06-24. Review status: criteria provided, single submitter. Criteria: GeneDx Variant Classification Process June 2021. Collection method: clinical testing. Allele origin: germline. Affected: yes.
Comment: Has not been previously published as pathogenic or benign to our knowledge; Not observed at significant frequency in large population cohorts (gnomAD); Frameshift variant predicted to result in protein truncation or nonsense mediated decay in a gene for which loss of function is a known mechanism of disease

Literature cited by the submitters: PubMed 24334604 (cited by Labcorp Genetics (formerly Invitae), Labcorp); PubMed 28973083 (cited by Labcorp Genetics (formerly Invitae), Labcorp).